The following is an entry in ClinVar:

NM_001849.4(COL6A2):c.1017C>G (p.Ile339Met)

Gene: COL6A2 (collagen type VI alpha 2 chain; plus strand). Cytogenetic location: 21q22.3.
Variant type: single nucleotide variant.
Coding change: c.1017C>G on transcript NM_001849.4 (MANE Select); coding-DNA position 1017, C replaced by G.
Protein change: p.Ile339Met; replaces isoleucine 339 with methionine.
Molecular consequence: missense variant.
Genome position (GRCh38, 1-based): chr21:46,117,417, C>G. VCF-style: chr21-46117417-C-G. GRCh37 (hg19) VCF-style: chr21-47537331-C-G.
Other names: c.1017C>G, p.Ile339Met (NM_058174.3, NM_058175.3); short protein forms I339M.
Identifiers: ClinVar variation 2440379 (VCV002440379.5), dbSNP rs766157503, ClinGen allele CA410527332.
Genomic context (GRCh38, chr21:46,117,417, plus strand): 5'-CAGAACCCCGCCCTGAGACTCCTCCTGCCCCCTTCTCCTTCAGGGCAAGCTGGGGCGCAT[C>G]GGACCTCCTGGCTGCAAGGGAGACCCTGGAAACCGGGTAAGGGCCGTTTGCACCCCTCCT-3'
Protein context (NP_001840.3, residues 329-349): TDGQKGKLGR[Ile339Met]GPPGCKGDPG

ClinVar aggregate classification (germline): Uncertain significance. Review status: criteria provided, multiple submitters, no conflicts (2 of 4 stars). 3 submissions from 3 submitters: Uncertain significance (3). Last evaluated 2025-10-06.

Conditions:
Bethlem myopathy 1A. Also called: MYOPATHY, BENIGN CONGENITAL, WITH CONTRACTURES; Bethlem myopathy 1; Bethlem Muscular Dystrophy. Identifiers: Orphanet 610, MedGen CN029274, MONDO:0024530, OMIM 158810.
COL6A2-related disorder.

gnomAD v4.1: 1 of 1,612,810 alleles (0.000062%); highest among the groups gnomAD compares: Non-Finnish European, 0.000085%; no homozygotes.

Submissions (3):

PreventionGenetics, part of Exact Sciences
Classification: Uncertain significance for COL6A2-related condition. Last evaluated: 2025-10-06. Review status: criteria provided, single submitter. Criteria: ACMG Guidelines, 2015. Collection method: clinical testing. Allele origin: germline.
Comment: The COL6A2 c.1017C>G variant is predicted to result in the amino acid substitution p.Ile339Met. To our knowledge, this variant has not been reported in the literature or in a large population database (gnomAD), indicating this variant is rare. At this time, the clinical significance of this variant is uncertain due to the absence of conclusive functional and genetic evidence.

Labcorp Genetics (formerly Invitae), Labcorp
Classification: Uncertain significance for Bethlem myopathy 1A. Last evaluated: 2025-03-05. Review status: criteria provided, single submitter. Criteria: Invitae Variant Classification Sherloc (09022015). Collection method: clinical testing. Allele origin: germline.
Comment: This sequence change replaces isoleucine, which is neutral and non-polar, with methionine, which is neutral and non-polar, at codon 339 of the COL6A2 protein (p.Ile339Met). This variant is not present in population databases (gnomAD no frequency). This variant has not been reported in the literature in individuals affected with COL6A2-related conditions. ClinVar contains an entry for this variant (Variation ID: 2440379). Invitae Evidence Modeling of protein sequence and biophysical properties (such as structural, functional, and spatial information, amino acid conservation, physicochemical variation, residue mobility, and thermodynamic stability) indicates that this missense variant is expected to disrupt COL6A2 protein function with a positive predictive value of 80%. In summary, the available evidence is currently insufficient to determine the role of this variant in disease. Therefore, it has been classified as a Variant of Uncertain Significance.

Revvity Omics, Revvity
Classification: Uncertain significance. Last evaluated: 2021-07-27. Review status: criteria provided, single submitter. Criteria: ACMG Guidelines, 2015. Collection method: clinical testing. Allele origin: germline.